The following is an entry in ClinVar:

NM_001365999.1(SZT2):c.5089-10C>G

Gene: SZT2 (SZT2 subunit of KICSTOR complex; plus strand). Cytogenetic location: 1p34.2.
Variant type: single nucleotide variant.
Coding change: c.5089-10C>G on transcript NM_001365999.1 (MANE Select); 10 bases into the intron before coding-DNA position 5089, C replaced by G.
Molecular consequence: intron variant.
Genome position (GRCh38, 1-based): chr1:43,431,706, C>G. VCF-style: chr1-43431706-C-G. GRCh37 (hg19) VCF-style: chr1-43897377-C-G.
Other names: c.4918-10C>G (NM_015284.4, NM_015284.3).
Identifiers: ClinVar variation 2002019 (VCV002002019.6), dbSNP rs762273685, ClinGen allele CA809486.
Genomic context (GRCh38, chr1:43,431,706, plus strand): 5'-TAGTCCGGGAGTAAGGGGATGCCCAAGGAAGCAAGGGAGATGCCCTTTGTCACTTGCTGT[C>G]TAACTGTAGATCCGCTGGTTGTTGGAAGATGAGATGGTGGGGGCACTCCGAAGAGGGGGC-3'

ClinVar aggregate classification (germline): Likely benign. Review status: criteria provided, single submitter (1 of 4 stars). 2 submissions from 2 submitters: Likely benign (1). 1 of the submissions does not count toward it. Last evaluated 2022-07-23.

Conditions:
SZT2-related disorder. Also called: SZT2-related condition.

Allele frequency attached by ClinVar (database versions not stated): gnomAD exomes 0.00001; ExAC 0.00002.
gnomAD v4.1: 19 of 1,613,710 alleles (0.0012%); highest among the groups gnomAD compares: South Asian, 0.021%; no homozygotes.

Submissions (2):

Labcorp Genetics (formerly Invitae), Labcorp
Classification: Likely benign. Last evaluated: 2022-07-23. Review status: criteria provided, single submitter. Criteria: Invitae Variant Classification Sherloc (09022015). Collection method: clinical testing. Allele origin: germline.

PreventionGenetics, part of Exact Sciences
Classification: Likely benign for SZT2-related condition. Last evaluated: 2019-04-26. Review status: no assertion criteria provided. Collection method: clinical testing. Allele origin: germline. Not counted in ClinVar's aggregate classification.
Comment: This variant is classified as likely benign based on ACMG/AMP sequence variant interpretation guidelines (Richards et al. 2015 PMID: 25741868, with internal and published modifications).